The following is an entry in ClinVar:

NM_000268.4(NF2):c.1758G>C (p.Lys586Asn)

Gene: NF2 (NF2, moesin-ezrin-radixin like (MERLIN) tumor suppressor; plus strand). Cytogenetic location: 22q12.2.
Variant type: single nucleotide variant.
Coding change: c.1758G>C on transcript NM_000268.4 (MANE Select); coding-DNA position 1758, G replaced by C.
Protein change: p.Lys586Asn; replaces lysine 586 with asparagine.
Molecular consequence: missense variant. On other transcripts: 3 prime UTR variant (5), non-coding transcript variant (1).
Genome position (GRCh38, 1-based): chr22:29,694,772, G>C. VCF-style: chr22-29694772-G-C. GRCh37 (hg19) VCF-style: chr22-30090761-G-C.
Other names: c.1644G>C, p.Lys548Asn (NM_001407053.1); c.1635G>C, p.Lys545Asn (NM_001407054.1); c.1632G>C, p.Lys544Asn (NM_001407055.1); c.*30G>C (NM_001407056.1, NM_001407059.1, NM_001407065.1 and 5 more transcripts); c.1623G>C, p.Lys541Asn (NM_001407057.1); c.*45G>C (NM_001407058.1, NM_001407063.1, NM_181832.3); c.1595G>C, p.Ser532Thr (NM_001407060.1); c.1500G>C, p.Lys500Asn (NM_001407062.1); and 2 more; short protein forms K156N, K544N, K541N, K500N, K545N, S449T, S532T, K548N.
Identifiers: ClinVar variation 1779518 (VCV001779518.2), dbSNP rs2518807999, ClinGen allele CA411152225.
Genomic context (GRCh38, chr22:29,694,772, plus strand): 5'-GGTCTTGTGCCCTCTCAGCTTCTTCTCTGCTTTCTTACAGCTCACCTTGCAGAGCGCCAA[G>C]TCCCGAGTGGCCTTCTTTGAAGAGCTCTAGCAGGTGACCCAGCCACCCCAGGACCTGCCA-3'
Protein context (NP_000259.1, residues 576-595): TIKKLTLQSA[Lys586Asn]SRVAFFEEL

ClinVar aggregate classification (germline): Uncertain significance (1 of 4 stars; one submission).

Conditions:
Hereditary cancer-predisposing syndrome. Also called: Neoplastic Syndromes, Hereditary; Tumor predisposition; Hereditary Cancer Syndrome; Hereditary neoplastic syndrome. Identifiers: Orphanet 140162, MedGen C0027672, MeSH D009386, MONDO:0015356.

Submission:

Ambry Genetics
Classification: Uncertain significance for Hereditary cancer-predisposing syndrome. Last evaluated: 2020-12-08. Review status: criteria provided, single submitter. Criteria: Ambry Variant Classification Scheme 2023. Collection method: clinical testing. Allele origin: germline.
Comment: The p.K586N variant (also known as c.1758G>C), located in coding exon 16 of the NF2 gene, results from a G to C substitution at nucleotide position 1758. The lysine at codon 586 is replaced by asparagine, an amino acid with similar properties. This amino acid position is well conserved in available vertebrate species. In addition, this alteration is predicted to be tolerated by in silico analysis. Since supporting evidence is limited at this time, the clinical significance of this alteration remains unclear.